The following is an entry in ClinVar:

NM_023110.3(FGFR1):c.68C>T (p.Pro23Leu)

Gene: FGFR1 (fibroblast growth factor receptor 1; minus strand). Cytogenetic location: 8p11.23.
Variant type: single nucleotide variant.
Coding change: c.68C>T on transcript NM_023110.3 (MANE Select); coding-DNA position 68, C replaced by T.
Protein change: p.Pro23Leu; replaces proline 23 with leucine.
Molecular consequence: missense variant. On other transcripts: 5 prime UTR variant (1).
Genome position (GRCh38, 1-based): chr8:38,457,379, G>A on the plus strand (C>T on the coding strand, the complement: FGFR1 is on the minus strand). VCF-style: chr8-38457379-G-A. GRCh37 (hg19) VCF-style: chr8-38314897-G-A.
Other names: c.68C>T, p.Pro23Leu (NM_001174063.2, NM_001174065.2, NM_001174066.2 and 7 more transcripts); c.-25C>T (NM_001174064.2); c.167C>T, p.Pro56Leu (NM_001174067.2); short protein forms P56L, P23L.
Identifiers: ClinVar variation 910181 (VCV000910181.9), dbSNP rs143341876, ClinGen allele CA4718943.

ClinVar aggregate classification (germline): Conflicting classifications of pathogenicity. Review status: criteria provided, conflicting classifications (1 of 4 stars). 6 submissions from 3 submitters: Uncertain significance (3); Benign (3). Last evaluated 2024-04-10.

Conditions:
Hypogonadotropic hypogonadism 2 with or without anosmia (HH2). Also called: FGFR1-Related GnRH Deficiency (Kallmann Syndrome 2); HYPOGONADOTROPIC HYPOGONADISM 2 WITHOUT ANOSMIA; HYPOGONADOTROPIC HYPOGONADISM 2 WITH OR WITHOUT ANOSMIA, SUSCEPTIBILITY TO; HYPOGONADOTROPIC HYPOGONADISM 2 WITHOUT ANOSMIA, SUSCEPTIBILITY TO. Identifiers: Orphanet 478, MedGen C1563720, MONDO:0007844, OMIM 147950. Disease mechanism: loss of function.
Pfeiffer syndrome (ACS5). Also called: ACS V. Identifiers: Orphanet 710, MedGen C0220658, MONDO:0007043, OMIM 101600.
Trigonocephaly 1 (TRIGNO1). Identifiers: Orphanet 3366, MedGen C0432122, MONDO:0008603, OMIM 190440.
Osteoglophonic dysplasia (OGD). Also called: Osteoglophonic dwarfism. Identifiers: Orphanet 2645, MedGen C0432283, MONDO:0008150, OMIM 166250.
Craniosynostosis syndrome. Also called: Craniosynostosis. Identifiers: Orphanet 1531, MedGen C0010278, MeSH D003398, MONDO:0015469, HP:0001363.

Allele frequency attached by ClinVar (database versions not stated): gnomAD 0.00001; gnomAD exomes 0.00002; TOPMed 0.00002; ExAC 0.00003; ESP Exome Variant Server 0.00008.
gnomAD v4.1: 59 of 1,613,564 alleles (0.0037%); highest among the groups gnomAD compares: Non-Finnish European, 0.0046%; no homozygotes.

Submissions (6):

GeneDx
Classification: Uncertain significance. Last evaluated: 2024-04-10. Review status: criteria provided, single submitter. Criteria: GeneDx Variant Classification Process June 2021. Collection method: clinical testing. Allele origin: germline. Affected: yes.
Comment: In silico analysis supports that this missense variant has a deleterious effect on protein structure/function; Has not been previously published as pathogenic or benign to our knowledge; This variant is associated with the following publications: (PMID: 27896051)

Labcorp Genetics (formerly Invitae), Labcorp
Classification: Uncertain significance for Pfeiffer syndrome; Hypogonadotropic hypogonadism 2 with or without anosmia. Last evaluated: 2023-04-24. Review status: criteria provided, single submitter. Criteria: Invitae Variant Classification Sherloc (09022015). Collection method: clinical testing. Allele origin: germline.
Comment: This variant has not been reported in the literature in individuals affected with FGFR1-related conditions. In summary, the available evidence is currently insufficient to determine the role of this variant in disease. Therefore, it has been classified as a Variant of Uncertain Significance. Advanced modeling of protein sequence and biophysical properties (such as structural, functional, and spatial information, amino acid conservation, physicochemical variation, residue mobility, and thermodynamic stability) has been performed at Invitae for this missense variant, however the output from this modeling did not meet the statistical confidence thresholds required to predict the impact of this variant on FGFR1 protein function. ClinVar contains an entry for this variant (Variation ID: 910181). This variant is present in population databases (rs143341876, gnomAD 0.005%). This sequence change replaces proline, which is neutral and non-polar, with leucine, which is neutral and non-polar, at codon 23 of the FGFR1 protein (p.Pro23Leu).

Illumina Laboratory Services, Illumina
Classification: Uncertain significance for Hypogonadotropic hypogonadism 2 with or without anosmia. Last evaluated: 2018-03-23. Review status: criteria provided, single submitter. Criteria: ICSL Variant Classification Criteria 13 December 2019. Collection method: clinical testing. Allele origin: germline.

Illumina Laboratory Services, Illumina
Classification: Benign for Craniosynostosis. Last evaluated: 2018-03-20. Review status: criteria provided, single submitter. Criteria: ICSL Variant Classification Criteria 13 December 2019. Collection method: clinical testing. Allele origin: germline.
Comment: This variant was observed in the ICSL laboratory as part of a predisposition screen in an ostensibly healthy population. It had not been previously curated by ICSL or reported in the Human Gene Mutation Database (HGMD: prior to June 1st, 2018), and was therefore a candidate for classification through an automated scoring system. Utilizing variant allele frequency, disease prevalence and penetrance estimates, and inheritance mode, an automated score was calculated to assess if this variant is too frequent to cause the disease. Based on the score and internal cut-off values, a variant classified as benign is not then subjected to further curation. The score for this variant resulted in a classification of benign for this disease.

Illumina Laboratory Services, Illumina
Classification: Benign for Trigonocephaly 1. Last evaluated: 2018-03-20. Review status: criteria provided, single submitter. Criteria: ICSL Variant Classification Criteria 13 December 2019. Collection method: clinical testing. Allele origin: germline.
Comment: the same text as in the submission from Illumina Laboratory Services, Illumina above.

Illumina Laboratory Services, Illumina
Classification: Benign for Osteoglophonic dysplasia. Last evaluated: 2018-03-20. Review status: criteria provided, single submitter. Criteria: ICSL Variant Classification Criteria 13 December 2019. Collection method: clinical testing. Allele origin: germline.
Comment: the same text as in the submission from Illumina Laboratory Services, Illumina above.